The following is an entry in ClinVar:

NM_005726.6(TSFM):c.232-2A>G

Gene: TSFM (Ts translation elongation factor, mitochondrial; plus strand). Cytogenetic location: 12q14.1.
Variant type: single nucleotide variant.
Coding change: c.232-2A>G on transcript NM_005726.6 (MANE Select); the canonical splice acceptor site of the intron before coding-DNA position 232, A replaced by G.
Molecular consequence: splice acceptor variant.
Genome position (GRCh38, 1-based): chr12:57,786,161, A>G. VCF-style: chr12-57786161-A-G. GRCh37 (hg19) VCF-style: chr12-58179944-A-G.
Other names: c.232-2A>G (NM_001172697.2, NM_001172696.2, NM_001172695.2).
Identifiers: ClinVar variation 3575054 (VCV003575054.2).
Genomic context (GRCh38, chr12:57,786,161, plus strand): 5'-AACTACATTTAGTGCTAAATTCTGTGACTTTGTTGTCTGCTCTTTTTCCTCTCAATTTAC[A>G]GGCAGAGATCTGGCTCCACAAGGAGGCCCAGAAGGAGGGCTGGAGCAAAGCTGCCAAGCT-3'

ClinVar aggregate classification (germline): Likely pathogenic. Review status: criteria provided, multiple submitters, no conflicts (2 of 4 stars). 2 submissions from 2 submitters: Likely pathogenic (2). Last evaluated 2025-05-30.

Conditions:
Fatal mitochondrial disease due to combined oxidative phosphorylation defect type 3. Also called: ENCEPHALOMYOPATHY, RESPIRATORY FAILURE, AND LACTIC ACIDOSIS; Combined oxidative phosphorylation deficiency 3. Identifiers: Orphanet 168566, MedGen C1864840, MONDO:0012512, OMIM 610505.

gnomAD v4.1: 3 of 1,600,354 alleles (0.00019%); highest among the groups gnomAD compares: South Asian, 0.0023%; no homozygotes.

Submissions (2):

First Genomix Gene Laboratory, Genetic Diagnostics Department
Classification: Likely pathogenic for Fatal mitochondrial disease due to combined oxidative phosphorylation defect type 3. Last evaluated: 2025-05-30. Review status: criteria provided, single submitter. Criteria: ACMG Guidelines, 2015. Collection method: clinical testing. Allele origin: germline. Inheritance: Autosomal recessive inheritance. Affected: no.

Fulgent Genetics
Classification: Likely pathogenic for Fatal mitochondrial disease due to combined oxidative phosphorylation defect type 3. Last evaluated: 2024-01-12. Review status: criteria provided, single submitter. Criteria: ACMG Guidelines, 2015. Collection method: clinical testing. Allele origin: germline.